The following is an entry in ClinVar:

NM_175875.5(SIX5):c.1595C>T (p.Ser532Leu)

Gene: SIX5 (SIX homeobox 5; minus strand). Cytogenetic location: 19q13.32.
Variant type: single nucleotide variant.
Coding change: c.1595C>T on transcript NM_175875.5 (MANE Select); coding-DNA position 1595, C replaced by T.
Protein change: p.Ser532Leu; replaces serine 532 with leucine.
Molecular consequence: missense variant.
Genome position (GRCh38, 1-based): chr19:45,766,364, G>A on the plus strand (C>T on the coding strand, the complement: SIX5 is on the minus strand). VCF-style: chr19-45766364-G-A. GRCh37 (hg19) VCF-style: chr19-46269622-G-A.
Other names: c.1595C>T (NM_175875.4); short protein forms S532L.
Identifiers: ClinVar variation 2966132 (VCV002966132.4), dbSNP rs750621890, ClinGen allele CA9520596.

ClinVar aggregate classification (germline): Uncertain significance. Review status: criteria provided, multiple submitters, no conflicts (2 of 4 stars). 2 submissions from 2 submitters: Uncertain significance (2). Last evaluated 2025-08-31.

Conditions:
SIX5-related disorder. Also called: SIX5-related condition.

Allele frequency attached by ClinVar (database versions not stated): gnomAD 0.00001; TOPMed 0.00003; ExAC 0.00010.

Submissions (2):

PreventionGenetics, part of Exact Sciences
Classification: Uncertain significance for SIX5-related condition. Last evaluated: 2025-08-31. Review status: criteria provided, single submitter. Criteria: ACMG Guidelines, 2015. Collection method: clinical testing. Allele origin: germline.
Comment: The SIX5 c.1595C>T variant is predicted to result in the amino acid substitution p.Ser532Leu. To our knowledge, this variant has not been reported in the literature. This variant is reported in 0.0064% of alleles in individuals of East Asian descent in gnomAD. At this time, the clinical significance of this variant is uncertain due to the absence of conclusive functional and genetic evidence.

Labcorp Genetics (formerly Invitae), Labcorp
Classification: Uncertain significance. Last evaluated: 2025-08-13. Review status: criteria provided, single submitter. Criteria: Invitae Variant Classification Sherloc (09022015). Collection method: clinical testing. Allele origin: germline.
Comment: This sequence change replaces serine, which is neutral and polar, with leucine, which is neutral and non-polar, at codon 532 of the SIX5 protein (p.Ser532Leu). The frequency data for this variant in the population databases is considered unreliable, as metrics indicate poor data quality at this position in the gnomAD database. This variant has not been reported in the literature in individuals affected with SIX5-related conditions. ClinVar contains an entry for this variant (Variation ID: 2966132). Invitae Evidence Modeling of protein sequence and biophysical properties (such as structural, functional, and spatial information, amino acid conservation, physicochemical variation, residue mobility, and thermodynamic stability) indicates that this missense variant is not expected to disrupt SIX5 protein function with a negative predictive value of 80%. In summary, the available evidence is currently insufficient to determine the role of this variant in disease. Therefore, it has been classified as a Variant of Uncertain Significance.